The following is an entry in ClinVar:

NM_004168.4(SDHA):c.-6G>A

Gene: SDHA (succinate dehydrogenase complex flavoprotein subunit A; plus strand). Cytogenetic location: 5p15.33.
Variant type: single nucleotide variant.
Coding change: c.-6G>A on transcript NM_004168.4 (MANE Select); 6 bases upstream of the start codon, G replaced by A.
Molecular consequence: 5 prime UTR variant.
Genome position (GRCh38, 1-based): chr5:218,350, G>A. VCF-style: chr5-218350-G-A. GRCh37 (hg19) VCF-style: chr5-218465-G-A.
Other names: c.-6G>A (NM_001294332.2, NM_001330758.2).
Identifiers: ClinVar variation 3340185 (VCV003340185.1).

ClinVar aggregate classification (germline): Uncertain significance (1 of 4 stars; one submission).

gnomAD v4.1: 11 of 1,457,284 alleles (0.00075%); highest among the groups gnomAD compares: Non-Finnish European, 0.00099%; no homozygotes.

Submission:

GeneDx
Classification: Uncertain significance. Last evaluated: 2023-11-07. Review status: criteria provided, single submitter. Criteria: GeneDx Variant Classification Process June 2021. Collection method: clinical testing. Allele origin: germline. Affected: yes.
Comment: Not observed at significant frequency in large population cohorts (gnomAD); Located in a region that tolerates variation and lacks pathogenic variants; Has not been previously published as pathogenic or benign to our knowledge